The following is an entry in ClinVar:

NM_000038.6(APC):c.673G>T (p.Glu225Ter)

Gene: APC (APC regulator of Wnt signaling pathway; plus strand). Cytogenetic location: 5q22.2.
Variant type: single nucleotide variant.
Coding change: c.673G>T on transcript NM_000038.6 (MANE Select); coding-DNA position 673, G replaced by T.
Protein change: p.Glu225Ter; replaces glutamic acid 225 with a stop codon.
Molecular consequence: nonsense. On other transcripts: 5 prime UTR variant (1), intron variant (2).
Genome position (GRCh38, 1-based): chr5:112,792,473, G>T. VCF-style: chr5-112792473-G-T. GRCh37 (hg19) VCF-style: chr5-112128170-G-T.
Other names: c.673G>T, p.Glu225Ter (NM_001127510.3, NM_001354895.2, NM_001354896.2 and 12 more transcripts); c.703G>T, p.Glu235Ter (NM_001354897.2, NM_001354902.2, NM_001407446.1); c.598G>T, p.Glu200Ter (NM_001354898.2, NM_001354904.2, NM_001407451.1); c.496G>T, p.Glu166Ter (NM_001354900.2, NM_001354901.2, NM_001354905.2 and 1 more transcripts); c.-363G>T (NM_001354906.2, NM_001407470.1, NM_001407471.1 and 1 more transcripts); c.676-8806G>T (NM_001127511.3); c.646-8806G>T (NM_001354899.2); short protein forms E166*, E200*, E225*, E235*.
Identifiers: ClinVar variation 1755189 (VCV001755189.5), dbSNP rs768233232, ClinGen allele CA16022807.

ClinVar aggregate classification (germline): Pathogenic. Review status: criteria provided, multiple submitters, no conflicts (2 of 4 stars). 2 submissions from 2 submitters: Pathogenic (2). Last evaluated 2023-11-14.

Conditions:
Hereditary cancer-predisposing syndrome. Also called: Neoplastic Syndromes, Hereditary; Tumor predisposition; Hereditary Cancer Syndrome; Hereditary neoplastic syndrome. Identifiers: Orphanet 140162, MedGen C0027672, MeSH D009386, MONDO:0015356.
Familial adenomatous polyposis 1 (FAP1). Also called: FAMILIAL ADENOMATOUS POLYPOSIS 1, ATTENUATED; POLYPOSIS, ADENOMATOUS INTESTINAL. Identifiers: MedGen C2713442, MONDO:0021056, OMIM 175100. Disease mechanism: loss of function.

gnomAD v4.1: 1 of 1,610,796 alleles (0.000062%); highest among the groups gnomAD compares: Non-Finnish European, 0.000085%; no homozygotes.

Submissions (2):

Labcorp Genetics (formerly Invitae), Labcorp
Classification: Pathogenic for Familial adenomatous polyposis 1. Last evaluated: 2023-11-14. Review status: criteria provided, single submitter. Criteria: Invitae Variant Classification Sherloc (09022015). Collection method: clinical testing. Allele origin: germline.
Comment: This sequence change creates a premature translational stop signal (p.Glu225*) in the APC gene. It is expected to result in an absent or disrupted protein product. Loss-of-function variants in APC are known to be pathogenic (PMID: 17963004, 20685668). This variant is not present in population databases (gnomAD no frequency). This premature translational stop signal has been observed in individual(s) with familial adenomatous polyposis (PMID: 12010888). ClinVar contains an entry for this variant (Variation ID: 1755189). For these reasons, this variant has been classified as Pathogenic.

Ambry Genetics
Classification: Pathogenic for Hereditary cancer-predisposing syndrome. Last evaluated: 2022-07-25. Review status: criteria provided, single submitter. Criteria: Ambry Variant Classification Scheme 2023. Collection method: clinical testing. Allele origin: germline.
Comment: The p.E225* pathogenic mutation (also known as c.673G>T), located in coding exon 6 of the APC gene, results from a G to T substitution at nucleotide position 673. This changes the amino acid from a glutamic acid to a stop codon within coding exon 6. This alteration has been report in individuals with Familial Adenomatous Polyposis (Moisio AL et al. Gut, 2002 Jun;50:845-50; Friedl W et al. Hered Cancer Clin Pract, 2005 Sep;3:95-114; Kanter-Smoler G et al. BMC Med, 2008 Apr;6:10). In addition to the clinical data presented in the literature, this alteration is expected to result in loss of function by premature protein truncation or nonsense-mediated mRNA decay. As such, this alteration is interpreted as a disease-causing mutation.

Literature cited by the submitters: PubMed 17963004 (cited by Labcorp Genetics (formerly Invitae), Labcorp); PubMed 20685668 (cited by Labcorp Genetics (formerly Invitae), Labcorp); PubMed 12010888 (cited by Labcorp Genetics (formerly Invitae), Labcorp and Ambry Genetics); PubMed 18433509 (cited by Ambry Genetics); PubMed 20223039 (cited by Ambry Genetics).